The following is an entry in ClinVar:

NM_000350.3(ABCA4):c.6176G>A (p.Gly2059Asp)

Gene: ABCA4 (ATP binding cassette subfamily A member 4; minus strand). Cytogenetic location: 1p22.1.
Variant type: single nucleotide variant.
Coding change: c.6176G>A on transcript NM_000350.3 (MANE Select); coding-DNA position 6176, G replaced by A.
Protein change: p.Gly2059Asp; replaces glycine 2059 with aspartic acid.
Molecular consequence: missense variant.
Genome position (GRCh38, 1-based): chr1:94,001,964, C>T on the plus strand (G>A on the coding strand, the complement: ABCA4 is on the minus strand). VCF-style: chr1-94001964-C-T. GRCh37 (hg19) VCF-style: chr1-94467520-C-T.
Other names: c.5954G>A, p.Gly1985Asp (NM_001425324.1); short protein forms G2059D, G1985D.
Identifiers: ClinVar variation 1948836 (VCV001948836.5), dbSNP rs748905369, ClinGen allele CA956996.
Genomic context (GRCh38, chr1:94,001,964, plus strand): 5'-AGTTTCCGCTTGTTGCCCCCACTGTACGTGCCAGCCAGGCAGTCGGCGTAGACAGTCAGG[C>T]CCAGGCTCTTAATACTCCAGTTTGCAACCTAGGGAAGAGAAAGAAATGCCATTTGGAGAA-3'
Protein context (NP_000341.2, residues 2049-2069): KVANWSIKSL[Gly2059Asp]LTVYADCLAG

ClinVar aggregate classification (germline): Uncertain significance. Review status: criteria provided, single submitter (1 of 4 stars). 2 submissions from 2 submitters: Uncertain significance (1). 1 of the submissions does not count toward it. Last evaluated 2024-12-12.

Conditions:
Retinal dystrophy. Also called: Inherited retinal dystrophy. Identifiers: Orphanet 71862, MedGen C0854723, MeSH D058499, MONDO:0019118, HP:0000556.

Allele frequency attached by ClinVar (database versions not stated): gnomAD exomes below 0.00001; TOPMed below 0.00001; gnomAD 0.00001; ExAC 0.00002.
gnomAD v4.1: 8 of 1,614,086 alleles (0.0005%); highest among the groups gnomAD compares: Non-Finnish European, 0.00068%; no homozygotes.

Submissions (2):

Labcorp Genetics (formerly Invitae), Labcorp
Classification: Uncertain significance. Last evaluated: 2024-12-12. Review status: criteria provided, single submitter. Criteria: Invitae Variant Classification Sherloc (09022015). Collection method: clinical testing. Allele origin: germline.
Comment: This sequence change replaces glycine, which is neutral and non-polar, with aspartic acid, which is acidic and polar, at codon 2059 of the ABCA4 protein (p.Gly2059Asp). This variant is present in population databases (rs748905369, gnomAD 0.004%). This variant has not been reported in the literature in individuals affected with ABCA4-related conditions. ClinVar contains an entry for this variant (Variation ID: 1948836). Invitae Evidence Modeling of protein sequence and biophysical properties (such as structural, functional, and spatial information, amino acid conservation, physicochemical variation, residue mobility, and thermodynamic stability) indicates that this missense variant is not expected to disrupt ABCA4 protein function with a negative predictive value of 80%. In summary, the available evidence is currently insufficient to determine the role of this variant in disease. Therefore, it has been classified as a Variant of Uncertain Significance.

Institute of Human Genetics, Univ. Regensburg, Univ. Regensburg
Classification: Likely pathogenic for Retinal dystrophy. Last evaluated: 2020-01-01. Review status: no assertion criteria provided. Criteria: ACMG Guidelines, 2015. Collection method: clinical testing. Allele origin: germline. Affected: yes. Not counted in ClinVar's aggregate classification.